The following is an entry in ClinVar:

ClinVar aggregate classification (germline): Uncertain significance. Review status: criteria provided, single submitter (1 of 4 stars). 2 submissions from 2 submitters: Uncertain significance (1). 1 of the submissions does not count toward it. Last evaluated 2021-08-31.

Conditions:
Bardet-Biedl syndrome (BBS). Identifiers: Orphanet 110, MedGen C0752166, MONDO:0015229.
Bardet-Biedl syndrome 10 (BBS10). Identifiers: Orphanet 110, MedGen C1859568, MONDO:0014438, OMIM 615987.

gnomAD v4.1: 1 of 1,613,598 alleles (0.000062%); highest among the groups gnomAD compares: Non-Finnish European, 0.000085%; no homozygotes.

Submissions (2):

Labcorp Genetics (formerly Invitae), Labcorp
Classification: Uncertain significance for Bardet-Biedl syndrome. Last evaluated: 2021-08-31. Review status: criteria provided, single submitter. Criteria: Invitae Variant Classification Sherloc (09022015). Collection method: clinical testing. Allele origin: germline.
Comment: This sequence change replaces leucine with phenylalanine at codon 133 of the BBS10 protein (p.Leu133Phe). The leucine residue is highly conserved and there is a small physicochemical difference between leucine and phenylalanine. This variant is not present in population databases (ExAC no frequency). This variant has not been reported in the literature in individuals affected with BBS10-related conditions. Algorithms developed to predict the effect of missense changes on protein structure and function output the following: SIFT: "Deleterious"; PolyPhen-2: "Benign"; Align-GVGD: "Class C0". The phenylalanine amino acid residue is found in multiple mammalian species, which suggests that this missense change does not adversely affect protein function. In summary, the available evidence is currently insufficient to determine the role of this variant in disease. Therefore, it has been classified as a Variant of Uncertain Significance.

Natera, Inc.
Classification: Uncertain significance for Bardet-Biedl syndrome type 10. Last evaluated: 2021-09-17. Review status: no assertion criteria provided. Collection method: clinical testing. Allele origin: germline. Not counted in ClinVar's aggregate classification.

NM_024685.4(BBS10):c.397C>T (p.Leu133Phe)

Gene: BBS10 (Bardet-Biedl syndrome 10; minus strand). Cytogenetic location: 12q21.2.
Variant type: single nucleotide variant.
Coding change: c.397C>T on transcript NM_024685.4 (MANE Select); coding-DNA position 397, C replaced by T.
Protein change: p.Leu133Phe; replaces leucine 133 with phenylalanine.
Molecular consequence: missense variant.
Genome position (GRCh38, 1-based): chr12:76,347,588, G>A on the plus strand (C>T on the coding strand, the complement: BBS10 is on the minus strand). VCF-style: chr12-76347588-G-A. GRCh37 (hg19) VCF-style: chr12-76741368-G-A.
Other names: short protein forms L133F.
Identifiers: ClinVar variation 860075 (VCV000860075.8), dbSNP rs750446869, ClinGen allele CA385815364.